The following is an entry in ClinVar:

NM_002332.3(LRP1):c.5926G>A (p.Ala1976Thr)

Gene: LRP1 (LDL receptor related protein 1; plus strand). Cytogenetic location: 12q13.3.
Variant type: single nucleotide variant.
Coding change: c.5926G>A on transcript NM_002332.3 (MANE Select); coding-DNA position 5926, G replaced by A.
Protein change: p.Ala1976Thr; replaces alanine 1976 with threonine.
Molecular consequence: missense variant.
Genome position (GRCh38, 1-based): chr12:57,183,906, G>A. VCF-style: chr12-57183906-G-A. GRCh37 (hg19) VCF-style: chr12-57577689-G-A.
Other names: short protein forms A1976T.
Identifiers: ClinVar variation 5019420 (VCV005019420.2).

ClinVar aggregate classification (germline): Uncertain significance (1 of 4 stars; one submission).

Conditions:
Developmental dysplasia of the hip 3. Identifiers: MedGen C5882750, MONDO:0958037, OMIM 620690.
Keratosis pilaris atrophicans (KPA). Also called: Burnett Schwartz Berberian syndrome; ​Keratosis pilaris atrophicans. Identifiers: Orphanet 498, MedGen C0263428, MONDO:0018855, OMIM 604093.

gnomAD v4.1: 20 of 1,614,004 alleles (0.0012%); highest among the groups gnomAD compares: Admixed American, 0.0033%; no homozygotes.

Submission:

Juno Genomics, Hangzhou Juno Genomics, Inc
Classification: Uncertain significance for Developmental dysplasia of the hip 3; Keratosis pilaris atrophicans. Review status: criteria provided, single submitter. Criteria: ACMG Guidelines, 2015. Collection method: clinical testing. Allele origin: germline.
Comment: Absent from controls (or at extremely low frequency if recessive) in Genome Aggregation Database.;Missense variant in a gene that has a low rate of benign missense variation.;Multiple lines of computational evidence support a deleterious effect on the gene or gene product.